The following is an entry in ClinVar:

NM_004304.5(ALK):c.3969T>G (p.Phe1323Leu)

Gene: ALK (ALK receptor tyrosine kinase; minus strand). Cytogenetic location: 2p23.2.
Variant type: single nucleotide variant.
Coding change: c.3969T>G on transcript NM_004304.5 (MANE Select); coding-DNA position 3969, T replaced by G.
Protein change: p.Phe1323Leu; replaces phenylalanine 1323 with leucine.
Molecular consequence: missense variant.
Genome position (GRCh38, 1-based): chr2:29,197,646, A>C on the plus strand (T>G on the coding strand, the complement: ALK is on the minus strand). VCF-style: chr2-29197646-A-C. GRCh37 (hg19) VCF-style: chr2-29420512-A-C.
Other names: c.765T>G, p.Phe255Leu (NM_001353765.2); short protein forms F1323L, F255L.
Identifiers: ClinVar variation 470859 (VCV000470859.16), dbSNP rs1372668818, ClinGen allele CA346466344.

ClinVar aggregate classification (germline): Uncertain significance. Review status: criteria provided, multiple submitters, no conflicts (2 of 4 stars). 2 submissions from 2 submitters: Uncertain significance (2). Last evaluated 2025-10-27.

Conditions:
Neuroblastoma, susceptibility to, 3. Also called: ALK-Related Neuroblastic Tumor Susceptibility. Identifiers: Orphanet 635, MedGen C2751681, MONDO:0013083, OMIM 613014.
Hereditary cancer-predisposing syndrome. Also called: Hereditary neoplastic syndrome; Neoplastic Syndromes, Hereditary; Tumor predisposition; Hereditary Cancer Syndrome. Identifiers: Orphanet 140162, MedGen C0027672, MeSH D009386, MONDO:0015356.

Allele frequency attached by ClinVar (database versions not stated): gnomAD exomes 0.00001 and 0.00002.
gnomAD v4.1: 30 of 1,614,046 alleles (0.0019%); highest among the groups gnomAD compares: Non-Finnish European, 0.0024%; no homozygotes.

Submissions (2):

Labcorp Genetics (formerly Invitae), Labcorp
Classification: Uncertain significance for Neuroblastoma, susceptibility to, 3. Last evaluated: 2025-10-27. Review status: criteria provided, single submitter. Criteria: Invitae Variant Classification Sherloc (09022015). Collection method: clinical testing. Allele origin: germline.
Comment: This sequence change replaces phenylalanine, which is neutral and non-polar, with leucine, which is neutral and non-polar, at codon 1323 of the ALK protein (p.Phe1323Leu). This variant is present in population databases (no rsID available, gnomAD 0.002%). This variant has not been reported in the literature in individuals affected with ALK-related conditions. ClinVar contains an entry for this variant (Variation ID: 470859). An algorithm developed to predict the effect of missense changes on protein structure and function (PolyPhen-2) suggests that this variant is likely to be disruptive. In summary, the available evidence is currently insufficient to determine the role of this variant in disease. Therefore, it has been classified as a Variant of Uncertain Significance.

Ambry Genetics
Classification: Uncertain significance for Hereditary cancer-predisposing syndrome. Last evaluated: 2025-08-05. Review status: criteria provided, single submitter. Criteria: Ambry Variant Classification Scheme 2023. Collection method: clinical testing. Allele origin: germline.
Comment: The p.F1323L variant (also known as c.3969T>G), located in coding exon 27 of the ALK gene, results from a T to G substitution at nucleotide position 3969. The phenylalanine at codon 1323 is replaced by leucine, an amino acid with highly similar properties. This amino acid position is highly conserved in available vertebrate species. In addition, this alteration is predicted to be deleterious by in silico analysis. Since supporting evidence is limited at this time, the clinical significance of this alteration remains unclear.